The following is an entry in ClinVar:

NM_005188.4(CBL):c.1004G>A (p.Gly335Asp)

Gene: CBL (Cbl proto-oncogene; plus strand). Cytogenetic location: 11q23.3.
Variant type: single nucleotide variant.
Coding change: c.1004G>A on transcript NM_005188.4 (MANE Select); coding-DNA position 1004, G replaced by A.
Protein change: p.Gly335Asp; replaces glycine 335 with aspartic acid.
Molecular consequence: missense variant.
Genome position (GRCh38, 1-based): chr11:119,276,131, G>A. VCF-style: chr11-119276131-G-A. GRCh37 (hg19) VCF-style: chr11-119146841-G-A.
Other names: short protein forms G335D.
Identifiers: ClinVar variation 4800607 (VCV004800607.1).

ClinVar aggregate classification (germline): Uncertain significance (1 of 4 stars; one submission).

Conditions:
RASopathy. Also called: rasopathies; Noonan spectrum disorder. Identifiers: Orphanet 536391, MedGen C5555857, MONDO:0021060.

Submission:

Labcorp Genetics (formerly Invitae), Labcorp
Classification: Uncertain significance for RASopathy. Last evaluated: 2025-07-21. Review status: criteria provided, single submitter. Criteria: Invitae Variant Classification Sherloc (09022015). Collection method: clinical testing. Allele origin: germline.
Comment: This sequence change replaces glycine, which is neutral and non-polar, with aspartic acid, which is acidic and polar, at codon 335 of the CBL protein (p.Gly335Asp). This variant is not present in population databases (gnomAD no frequency). This variant has not been reported in the literature in individuals affected with CBL-related conditions. Invitae Evidence Modeling of protein sequence and biophysical properties (such as structural, functional, and spatial information, amino acid conservation, physicochemical variation, residue mobility, and thermodynamic stability) indicates that this missense variant is expected to disrupt CBL protein function with a positive predictive value of 95%. In summary, the available evidence is currently insufficient to determine the role of this variant in disease. Therefore, it has been classified as a Variant of Uncertain Significance.